The following is an entry in ClinVar:

ClinVar aggregate classification (germline): Likely pathogenic. Review status: criteria provided, multiple submitters, no conflicts (2 of 4 stars). 2 submissions from 2 submitters: Likely pathogenic (2). Last evaluated 2026-01-09.

Conditions:
Sifrim-Hitz-Weiss syndrome (SIHIWES). Also called: SIFRIM-HITZ-WEISS MULTIPLE CONGENITAL ANOMALIES-MENTAL RETARDATION SYNDROME; CHD4 Neurodevelopmental Disorder. Identifiers: Orphanet 653712, MedGen C4310688, MONDO:0014946, OMIM 617159.

Submissions (2):

Variantyx, Inc.
Classification: Likely pathogenic for Sifrim-Hitz-Weiss syndrome. Last evaluated: 2026-01-09. Review status: criteria provided, single submitter. Criteria: Variantyx Assertion Criteria 2022. Collection method: clinical testing. Allele origin: de novo. Inheritance: Autosomal dominant inheritance. Affected: yes.
Comment: This is a nonsynonymous variant in the CHD4 gene (OMIM: 603277). Pathogenic variants in this gene have been associated with autosomal dominant Sifrim-Hitz-Weiss syndrome. The alteration lies within a known hotspot for pathogenic variants or a well-established critical functional domain of the CHD4 protein (PMID: 31388190) (PM1), and multiple computational algorithms predict a deleterious effect for this variant (REVEL score: 0.967) (PP3). This variant is absent from control populations (PM2) and it has not been reported in individuals with CHD4-related disorders in the databases available for review. Based on the current evidence, this variant is classified as likely pathogenic for autosomal dominant Sifrim-Hitz-Weiss syndrome.

Rady Children's Institute for Genomic Medicine, Rady Children's Hospital San Diego
Classification: Likely pathogenic for SIFRIM-HITZ-WEISS SYNDROME. Last evaluated: 2020-05-27. Review status: criteria provided, single submitter. Criteria: ACMG Guidelines, 2015. Collection method: clinical testing. Allele origin: germline. Affected: yes.
Comment: This variant has not been previously reported or functionally characterized in the literature to our knowledge. It is absent from the gnomAD population database and thus is presumed to be rare. The c.2648C>T (p.Ser883Phe) variant affects a highly conserved amino acid and is predicted by multiple in silico tools to have a deleterious effect on protein function. Analysis of the parental samples was negative for the variant, indicating this variant likely occurred as a de novo event. Based on the available evidence, the c.2648C>T (p.Ser883Phe) variant is classified as Likely Pathogenic.

Literature cited by the submitters: PubMed 31388190 (cited by Variantyx, Inc.).

NM_001273.5(CHD4):c.2648C>T (p.Ser883Phe)

Gene: CHD4 (chromodomain helicase DNA binding protein 4; minus strand). Cytogenetic location: 12p13.31.
Variant type: single nucleotide variant.
Coding change: c.2648C>T on transcript NM_001273.5 (MANE Select); coding-DNA position 2648, C replaced by T.
Protein change: p.Ser883Phe; replaces serine 883 with phenylalanine.
Molecular consequence: missense variant.
Genome position (GRCh38, 1-based): chr12:6,593,095, G>A on the plus strand (C>T on the coding strand, the complement: CHD4 is on the minus strand). VCF-style: chr12-6593095-G-A. GRCh37 (hg19) VCF-style: chr12-6702261-G-A.
Other names: c.2627C>T, p.Ser876Phe (NM_001297553.2); c.2609C>T, p.Ser870Phe (NM_001363606.2); short protein forms S870F, S876F, S883F.
Identifiers: ClinVar variation 1301898 (VCV001301898.1), dbSNP rs2136215102, ClinGen allele CA383591496.